The following is an entry in ClinVar:

ClinVar aggregate classification (germline): Uncertain significance. Review status: criteria provided, multiple submitters, no conflicts (2 of 4 stars). 3 submissions from 3 submitters: Uncertain significance (3). Last evaluated 2025-09-02.

Conditions:
Asphyxiating thoracic dystrophy 3. Also called: Short rib polydactyly syndrome 2B; SHORT-RIB THORACIC DYSPLASIA 3 WITH OR WITHOUT POLYDACTYLY; POLYDACTYLY WITH NEONATAL CHONDRODYSTROPHY, TYPE I; SHORT-RIB THORACIC DYSPLASIA 3/6 WITH POLYDACTYLY, DIGENIC; Saldino-Noonan Syndrome. Identifiers: Orphanet 474, Orphanet 93269, Orphanet 93270, Orphanet 93271, MedGen C0036069, MONDO:0013127, OMIM 613091.

Allele frequency attached by ClinVar (database versions not stated): gnomAD 0.00003; gnomAD exomes 0.00003; TOPMed 0.00002.
gnomAD v4.1: 44 of 1,611,424 alleles (0.0027%); highest among the groups gnomAD compares: Non-Finnish European, 0.0033%; no homozygotes.

Submissions (3):

Institute of Immunology and Genetics Kaiserslautern
Classification: Uncertain significance for Asphyxiating thoracic dystrophy 3. Last evaluated: 2025-09-02. Review status: criteria provided, single submitter. Criteria: ACMG Guidelines, 2015. Collection method: clinical testing. Allele origin: maternal. Affected: yes.
Comment: ACMG Criteria: PM5, PM2_P, PP3; Variant was found in heterozygous state. Variant was forund in compound heterozygous state with NM_001377.3:c.11644C>T.

3billion
Classification: Uncertain significance for Asphyxiating thoracic dystrophy 3. Last evaluated: 2022-09-01. Review status: criteria provided, single submitter. Criteria: ACMG Guidelines, 2015. Collection method: clinical testing. Allele origin: germline. Affected: yes. Observed: 1 heterozygote.
Comment: This missense variant is observed at an extremely low frequency in the gnomAD v2.1.1 dataset (total allele frequency: 0.001%). In silico tool predictions suggest damaging effect of the variant on gene or gene product (REVEL: 0.93; 3Cnet: 0.97). A different missense change at the same codon (p.Arg2039His) has been reported to be associated with DYNC2H1 -related disorder (ClinVar ID: VCV000446568/ PMID: 29068549). However, as the evidence of pathogenicity is insufficient at this time, this variant is classified as uncertain significance according to the recommendation of ACMG/AMP guideline.

ARUP Laboratories, Molecular Genetics and Genomics, ARUP Laboratories
Classification: Uncertain significance. Last evaluated: 2016-09-25. Review status: criteria provided, single submitter. Criteria: ARUP Molecular Germline Variant Investigation Process. Collection method: clinical testing. Allele origin: germline.

Literature cited by the submitters: PubMed 29068549 (cited by 3billion).

NM_001377.3(DYNC2H1):c.6115C>T (p.Arg2039Cys)

Gene: DYNC2H1 (dynein cytoplasmic 2 heavy chain 1; plus strand). Cytogenetic location: 11q22.3.
Variant type: single nucleotide variant.
Coding change: c.6115C>T on transcript NM_001377.3 (MANE Select); coding-DNA position 6115, C replaced by T.
Protein change: p.Arg2039Cys; replaces arginine 2039 with cysteine.
Molecular consequence: missense variant.
Genome position (GRCh38, 1-based): chr11:103,177,796, C>T. VCF-style: chr11-103177796-C-T. GRCh37 (hg19) VCF-style: chr11-103048525-C-T.
Other names: c.6115C>T, p.Arg2039Cys (NM_001080463.2); short protein forms R2039C.
Identifiers: ClinVar variation 439630 (VCV000439630.10), dbSNP rs779111999, ClinGen allele CA382246648.
Genomic context (GRCh38, chr11:103,177,796, plus strand): 5'-TTAGGCCATATTGACATGGACACAAGAGAATGGTCTGATGGTGTTTTGACAAATAGTGCT[C>T]GTCAAGTGGTTCGGGAACCTCAAGGTTAGTCTCTATGTATACTTCTTTGCTTTACTTAGT-3'
Protein context (NP_001368.2, residues 2029-2049): WSDGVLTNSA[Arg2039Cys]QVVREPQDVS